The following is an entry in ClinVar:

NM_152263.4(TPM3):c.*2409G>C

Gene: TPM3 (tropomyosin 3; minus strand). Cytogenetic location: 1q21.3.
Variant type: single nucleotide variant.
Coding change: c.*2409G>C on transcript NM_152263.4 (MANE Select); 2409 bases downstream of the stop codon, G replaced by C.
Molecular consequence: 3 prime UTR variant. On other transcripts: intron variant (12).
Genome position (GRCh38, 1-based): chr1:154,165,528, C>G on the plus strand (G>C on the coding strand, the complement: TPM3 is on the minus strand). VCF-style: chr1-154165528-C-G. GRCh37 (hg19) VCF-style: chr1-154138004-C-G.
Other names: c.*2409G>C (NM_001364682.1, NM_001364683.1); c.775+4872G>C (NM_001364679.2, NM_001364681.2, NM_001364680.2); c.466+4872G>C (NM_001278188.2); c.664+4872G>C (NM_001043351.2, NM_001043353.2, NM_153649.4 and 1 more transcripts); c.743+3777G>C (NM_001349679.2, NM_001278189.2); c.601+4872G>C (NM_001278190.2); c.394+4872G>C (NM_001278191.2).
Identifiers: ClinVar variation 292661 (VCV000292661.5), dbSNP rs142369480, ClinGen allele CA10607721.

ClinVar aggregate classification (germline): Benign. Review status: criteria provided, single submitter (1 of 4 stars). 2 submissions from 1 submitter: Benign (2). Last evaluated 2018-01-12.

Conditions:
Congenital myopathy 4B, autosomal recessive. Also called: Nemaline myopathy 1, autosomal dominant or recessive. Identifiers: Orphanet 171433, Orphanet 171439, Orphanet 171881, MedGen C5829889, MONDO:0012239, OMIM 609284.
Congenital myopathy with fiber type disproportion. Also called: Congenital fiber-type disproportion myopathy; Congenital fiber-type disproportion. Identifiers: Orphanet 2020, MedGen C0546264, MONDO:0009711. Inheritance: all.

Allele frequency attached by ClinVar (database versions not stated): gnomAD 0.01324 and 0.01426; 1000 Genomes Project 0.01378; TOPMed 0.01487; 1000 Genomes Project 30x 0.01359.
gnomAD v4.1: 1,994 of 151,936 alleles (1.3%); highest among the groups gnomAD compares: African/African-American, 4.4%; 48 homozygotes.

Submissions (2):

Illumina Laboratory Services, Illumina
Classification: Benign for Congenital myopathy 4B, autosomal recessive. Last evaluated: 2018-01-12. Review status: criteria provided, single submitter. Criteria: ICSL Variant Classification Criteria 13 December 2019. Collection method: clinical testing. Allele origin: germline.
Comment: This variant was observed in the ICSL laboratory as part of a predisposition screen in an ostensibly healthy population. It had not been previously curated by ICSL or reported in the Human Gene Mutation Database (HGMD: prior to June 1st, 2018), and was therefore a candidate for classification through an automated scoring system. Utilizing variant allele frequency, disease prevalence and penetrance estimates, and inheritance mode, an automated score was calculated to assess if this variant is too frequent to cause the disease. Based on the score and internal cut-off values, a variant classified as benign is not then subjected to further curation. The score for this variant resulted in a classification of benign for this disease.

Illumina Laboratory Services, Illumina
Classification: Benign for Congenital myopathy 4A, autosomal dominant. Last evaluated: 2018-01-12. Review status: criteria provided, single submitter. Criteria: ICSL Variant Classification Criteria 13 December 2019. Collection method: clinical testing. Allele origin: germline.
Comment: the same text as in the submission from Illumina Laboratory Services, Illumina above.